The following is an entry in ClinVar:

NM_001130438.3(SPTAN1):c.651+219A>G

Gene: SPTAN1 (spectrin alpha, non-erythrocytic 1; plus strand). Cytogenetic location: 9q34.11.
Variant type: single nucleotide variant.
Coding change: c.651+219A>G on transcript NM_001130438.3 (MANE Select); 219 bases into the intron after coding-DNA position 651, A replaced by G.
Molecular consequence: intron variant.
Genome position (GRCh38, 1-based): chr9:128,575,564, A>G. VCF-style: chr9-128575564-A-G. GRCh37 (hg19) VCF-style: chr9-131337843-A-G.
Other names: c.651+219A>G (NM_001363759.2, NM_003127.4, NM_001363765.2 and 1 more transcripts).
Identifiers: ClinVar variation 670131 (VCV000670131.1), dbSNP rs2297771, ClinGen allele CA15605605.
Genomic context (GRCh38, chr9:128,575,564, plus strand): 5'-TTACTCCTAAATTGGAAAATGCTTTTCAATGTGTTGCCTTGGGCAGGAAGGGCAGAGTTC[A>G]TTTGATCTGTTTCCTCTACCCACTTTTGGGTAGGGCTGGGTGAAGCTTTTATTGGACTGC-3'

ClinVar aggregate classification (germline): Benign (1 of 4 stars; one submission).

Allele frequency attached by ClinVar (database versions not stated): 1000 Genomes Project 30x 0.64241; 1000 Genomes Project 0.64397; TOPMed 0.73524; gnomAD 0.74807 and 0.74821.
gnomAD v4.1: 114,080 of 152,128 alleles (75%); highest among the groups gnomAD compares: Non-Finnish European, 90%; 45,460 homozygotes.

Submission:

GeneDx
Classification: Benign. Last evaluated: 2018-06-14. Review status: criteria provided, single submitter. Criteria: GeneDx Variant Classification (06012015). Collection method: clinical testing. Allele origin: germline. Affected: yes.
Comment: This variant is considered likely benign or benign based on one or more of the following criteria: it is a conservative change, it occurs at a poorly conserved position in the protein, it is predicted to be benign by multiple in silico algorithms, and/or has population frequency not consistent with disease.